The following is an entry in ClinVar:

ClinVar aggregate classification (germline): Uncertain significance (1 of 4 stars; one submission).

Allele frequency attached by ClinVar (database versions not stated): gnomAD 0.00001; 1000 Genomes Project 30x 0.00021; 1000 Genomes Project 0.00026.
gnomAD v4.1: 1 of 1,209,098 alleles (0.000083%); highest among the groups gnomAD compares: East Asian, 0.003%; no homozygotes.

Submission:

Labcorp Genetics (formerly Invitae), Labcorp
Classification: Uncertain significance. Last evaluated: 2023-04-30. Review status: criteria provided, single submitter. Criteria: Invitae Variant Classification Sherloc (09022015). Collection method: clinical testing. Allele origin: germline.
Comment: In summary, the available evidence is currently insufficient to determine the role of this variant in disease. Therefore, it has been classified as a Variant of Uncertain Significance. Advanced modeling of protein sequence and biophysical properties (such as structural, functional, and spatial information, amino acid conservation, physicochemical variation, residue mobility, and thermodynamic stability) performed at Invitae indicates that this missense variant is not expected to disrupt COL4A6 protein function. This variant has not been reported in the literature in individuals affected with COL4A6-related conditions. This variant is not present in population databases (gnomAD no frequency). This sequence change replaces alanine, which is neutral and non-polar, with serine, which is neutral and polar, at codon 1200 of the COL4A6 protein (p.Ala1200Ser).

NM_033641.4(COL4A6):c.3595G>T (p.Ala1199Ser)

Gene: COL4A6 (collagen type IV alpha 6 chain; minus strand). Cytogenetic location: Xq22.3.
Variant type: single nucleotide variant.
Coding change: c.3595G>T on transcript NM_033641.4 (MANE Select); coding-DNA position 3595, G replaced by T.
Protein change: p.Ala1199Ser; replaces alanine 1199 with serine.
Molecular consequence: missense variant.
Genome position (GRCh38, 1-based): chrX:108,169,591, C>A on the plus strand (G>T on the coding strand, the complement: COL4A6 is on the minus strand). VCF-style: chrX-108169591-C-A. GRCh37 (hg19) VCF-style: chrX-107412821-C-A.
Other names: c.3646G>T, p.Ala1216Ser (NM_001287758.2); c.3523G>T, p.Ala1175Ser (NM_001287759.2, NM_001287760.2); c.3598G>T, p.Ala1200Ser (NM_001847.4); short protein forms A1200S, A1216S, A1175S, A1199S.
Identifiers: ClinVar variation 2813833 (VCV002813833.3), dbSNP rs201518918, ClinGen allele CA334037617.